The following is an entry in ClinVar:

NM_213655.5(WNK1):c.3422_3423del (p.Ile1141fs)

Gene: WNK1 (WNK lysine deficient protein kinase 1; plus strand). Cytogenetic location: 12p13.33.
Variant type: Deletion.
Coding change: c.3422_3423del on transcript NM_213655.5 (MANE Plus Clinical); coding-DNA positions 3422 to 3423, 2 bases deleted (TC; older notation c.3422_3423delTC).
Protein change: p.Ile1141fs; shifts the reading frame from isoleucine 1141.
Molecular consequence: frameshift variant. On other transcripts: intron variant (2).
Genome position (GRCh38, 1-based): chr12:868,893-868,894, TC deleted. VCF-style (leftmost placement, unchanged base first): chr12-868892-ATC-A. GRCh37 (hg19) VCF-style: chr12-978058-ATC-A.
Other names: c.3167_3168del, p.Ile1056fs (NM_001184985.2); c.2140-2372_2140-2371del (NM_018979.4, NM_014823.3); short protein forms I1056fs, I1141fs.
Identifiers: ClinVar variation 973160 (VCV000973160.1), dbSNP rs560235090, ClinGen allele CA231499859.
Genomic context (GRCh38, chr12:868,892, plus strand): 5'-GAGCCTATCGGACAGAACTGGCCAATAGGAAGCCCAGAATATTCCAGTGATTCCTCACAA[ATC>A]ACTTCTTCAGACCCCAGTGATTTTCAGTCACCTCCCCCTACAGGGGGAGCAGCTGCACCT-3'

ClinVar aggregate classification (germline): Pathogenic (0 of 4 stars; one submission).

Conditions:
Neuropathy, hereditary sensory and autonomic, type 2A (HSAN2A). Also called: WNK1-Related HSAN2 (HSAN2A); MORVAN DISEASE; NEUROPATHY, CONGENITAL SENSORY; NEUROPATHY, HEREDITARY SENSORY RADICULAR, AUTOSOMAL RECESSIVE; NEUROPATHY, HEREDITARY SENSORY, TYPE IIA; NEUROPATHY, PROGRESSIVE SENSORY, OF CHILDREN. Identifiers: Orphanet 970, MedGen C2752089, MONDO:0024309, OMIM 201300.

Allele frequency attached by ClinVar (database versions not stated): gnomAD exomes below 0.00001 and 0.00001.

Submission:

Institute of Human Genetics, University Hospital Jena
Classification: Pathogenic for Neuropathy, hereditary sensory and autonomic, type 2A. Last evaluated: 2020-07-08. Review status: no assertion criteria provided. Collection method: clinical testing. Allele origin: germline. Affected: yes.
Comment: in dbSNP rs560235090, but not in ClinVar

Literature cited by the submitters: PubMed 16534117; PubMed 19651702.